The following is an entry in ClinVar:

NM_172250.3(MMAA):c.733+1G>T

Gene: MMAA (metabolism of cobalamin associated A; plus strand). Cytogenetic location: 4q31.21.
Variant type: single nucleotide variant.
Coding change: c.733+1G>T on transcript NM_172250.3 (MANE Select); the canonical splice donor site of the intron after coding-DNA position 733, G replaced by T.
Molecular consequence: splice donor variant.
Genome position (GRCh38, 1-based): chr4:145,646,157, G>T. VCF-style: chr4-145646157-G-T. GRCh37 (hg19) VCF-style: chr4-146567309-G-T.
Other names: c.733+1G>T (NM_001375644.1, NM_172250.2).
Identifiers: ClinVar variation 2676599 (VCV002676599.7), dbSNP rs779939886, ClinGen allele CA358356481.
Genomic context (GRCh38, chr4:145,646,157, plus strand): 5'-ATGAAGCTATTCTGTTGTGTGAAGGAGCGGGATATGACATAATTCTTATTGAAACCGTTG[G>T]TGAGTGTGATATTCTATTTCATAACAATGTACTATTTTATGAATGCTATATAAAGATGAG-3'

ClinVar aggregate classification (germline): Pathogenic/Likely pathogenic. Review status: criteria provided, multiple submitters, no conflicts (2 of 4 stars). 2 submissions from 2 submitters: Pathogenic (1); Likely pathogenic (1). Last evaluated 2024-04-19.

Conditions:
Methylmalonic aciduria, cblA type (MACA). Also called: Methylmalonic aciduria, vitamin B12-responsive; Methylmalonic aciduria, vitamin b12-responsive, due to defect in synthesis of adenosylcobalamin, cbla complementation type; MMA cbl A type; Methylmalonic acidemia cblA type; Vitamin B12-responsive methylmalonic acidemia type cblA. Identifiers: Orphanet 28, Orphanet 79310, MedGen C1855109, MONDO:0009613, OMIM 251100.

Allele frequency attached by ClinVar (database versions not stated): TOPMed 0.00001.
gnomAD v4.1: 3 of 1,613,998 alleles (0.00019%); highest among the groups gnomAD compares: Admixed American, 0.0033%; no homozygotes.

Submissions (2):

Natera, Inc.
Classification: Likely pathogenic for Methylmalonic aciduria cblA type. Last evaluated: 2024-04-19. Review status: criteria provided, single submitter. Criteria: Natera Variant Classification Schema (03/2026). Collection method: clinical testing. Allele origin: germline.
Comment: The c.733+1G>T variant in MMAA is a canonical splice donor site variant predicted to affect pre-mRNA splicing, which may result in an abnormal transcript and altered protein product. This variant is expected to result in nonsense mediated decay, truncation, or a dysfunctional protein product. This variant is rare in the general population with a frequency below the threshold expected for the associated phenotype(s). Given the available evidence, this variant is classified as Likely Pathogenic.

Labcorp Genetics (formerly Invitae), Labcorp
Classification: Pathogenic for Methylmalonic aciduria, cblA type. Last evaluated: 2023-07-25. Review status: criteria provided, single submitter. Criteria: Invitae Variant Classification Sherloc (09022015). Collection method: clinical testing. Allele origin: germline.
Comment: For these reasons, this variant has been classified as Pathogenic. Algorithms developed to predict the effect of sequence changes on RNA splicing suggest that this variant may disrupt the consensus splice site. Disruption of this splice site has been observed in individuals with cobalamin A methylmalonic aciduria (PMID: 15523652, 27858373). This variant is present in population databases (no rsID available, gnomAD 0.006%). This sequence change affects a donor splice site in intron 4 of the MMAA gene. It is expected to disrupt RNA splicing. Variants that disrupt the donor or acceptor splice site typically lead to a loss of protein function (PMID: 16199547), and loss-of-function variants in MMAA are known to be pathogenic (PMID: 15523652, 15781192).

Literature cited by the submitters: PubMed 15523652 (cited by Labcorp Genetics (formerly Invitae), Labcorp); PubMed 27858373 (cited by Labcorp Genetics (formerly Invitae), Labcorp); PubMed 16199547 (cited by Labcorp Genetics (formerly Invitae), Labcorp); PubMed 15781192 (cited by Labcorp Genetics (formerly Invitae), Labcorp).